The following is an entry in ClinVar:

ClinVar aggregate classification (germline): Uncertain significance (1 of 4 stars; one submission).

Submissions (2):

Labcorp Genetics (formerly Invitae), Labcorp
Classification: Uncertain significance. Last evaluated: 2023-06-22. Review status: criteria provided, single submitter. Criteria: Invitae Variant Classification Sherloc (09022015). Collection method: clinical testing. Allele origin: germline.
Comment: This sequence change replaces glutamine, which is neutral and polar, with leucine, which is neutral and non-polar, at codon 3378 of the HUWE1 protein (p.Gln3378Leu). This variant is not present in population databases (gnomAD no frequency). This variant has not been reported in the literature in individuals affected with HUWE1-related conditions. Advanced modeling of protein sequence and biophysical properties (such as structural, functional, and spatial information, amino acid conservation, physicochemical variation, residue mobility, and thermodynamic stability) performed at Invitae indicates that this missense variant is not expected to disrupt HUWE1 protein function. In summary, the available evidence is currently insufficient to determine the role of this variant in disease. Therefore, it has been classified as a Variant of Uncertain Significance.

Dr. Peter K. Rogan Lab, Western University
No classification provided (evidence only). Condition: Thyroid cancer, nonmedullary, 1. Review status: no classification provided. Collection method: in vitro. Allele origin: not applicable. Functional consequence: retained intron. Not counted in ClinVar's aggregate classification.

NM_031407.7(HUWE1):c.10133A>T (p.Gln3378Leu)

Gene: HUWE1 (HECT, UBA and WWE domain containing E3 ubiquitin protein ligase 1; minus strand). Cytogenetic location: Xp11.22.
Variant type: single nucleotide variant.
Coding change: c.10133A>T on transcript NM_031407.7 (MANE Select); coding-DNA position 10133, A replaced by T.
Protein change: p.Gln3378Leu; replaces glutamine 3378 with leucine.
Molecular consequence: missense variant.
Genome position (GRCh38, 1-based): chrX:53,548,176, T>A on the plus strand (A>T on the coding strand, the complement: HUWE1 is on the minus strand). VCF-style: chrX-53548176-T-A. GRCh37 (hg19) VCF-style: chrX-53575137-T-A.
Other names: short protein forms Q3378L.
Identifiers: ClinVar variation 2794356 (VCV002794356.4), dbSNP rs2523146907, ClinGen allele CA413136657.